The following is an entry in ClinVar:

ClinVar aggregate classification (germline): Uncertain significance (1 of 4 stars; one submission).

Allele frequency attached by ClinVar (database versions not stated): gnomAD exomes below 0.00001; gnomAD 0.00001.
gnomAD v4.1: 2 of 1,614,000 alleles (0.00012%); highest among the groups gnomAD compares: Non-Finnish European, 0.00017%; no homozygotes.

Submission:

GeneDx
Classification: Uncertain significance. Last evaluated: 2019-06-07. Review status: criteria provided, single submitter. Criteria: GeneDx Variant Classification Process June 2021. Collection method: clinical testing. Allele origin: germline. Affected: yes.
Comment: Not observed in large population cohorts (Lek et al., 2016); In silico analysis, which includes protein predictors and evolutionary conservation, supports that this variant does not alter protein structure/function; Has not been previously published as pathogenic or benign to our knowledge

NM_001042424.3(NSD2):c.1354A>G (p.Arg452Gly)

Gene: NSD2 (nuclear receptor binding SET domain protein 2; plus strand). Cytogenetic location: 4p16.3.
Variant type: single nucleotide variant.
Coding change: c.1354A>G on transcript NM_001042424.3 (MANE Select); coding-DNA position 1354, A replaced by G.
Protein change: p.Arg452Gly; replaces arginine 452 with glycine.
Molecular consequence: missense variant.
Genome position (GRCh38, 1-based): chr4:1,918,567, A>G. VCF-style: chr4-1918567-A-G. GRCh37 (hg19) VCF-style: chr4-1920294-A-G.
Other names: c.1354A>G, p.Arg452Gly (NM_007331.2, NM_133330.3, NM_133331.3 and 2 more transcripts); short protein forms R452G.
Identifiers: ClinVar variation 1302120 (VCV001302120.2), dbSNP rs1719719903, ClinGen allele CA356008086.